The following is an entry in ClinVar:

ClinVar aggregate classification (germline): Uncertain significance (1 of 4 stars; one submission).

Conditions:
Desbuquois dysplasia 1 (DBQD1). Also called: DESBUQUOIS DYSPLASIA 1, KIM VARIANT; MICROMELIC DWARFISM WITH VERTEBRAL AND METAPHYSEAL ABNORMALITIES AND ADVANCED CARPOTARSAL OSSIFICATION. Identifiers: Orphanet 1425, MedGen C4012146, MONDO:0009629, OMIM 251450.

Allele frequency attached by ClinVar (database versions not stated): gnomAD exomes below 0.00001.
gnomAD v4.1: 1 of 1,614,188 alleles (0.000062%); highest among the groups gnomAD compares: South Asian, 0.0011%; no homozygotes.

Submission:

Labcorp Genetics (formerly Invitae), Labcorp
Classification: Uncertain significance for Desbuquois dysplasia 1. Last evaluated: 2022-11-08. Review status: criteria provided, single submitter. Criteria: Invitae Variant Classification Sherloc (09022015). Collection method: clinical testing. Allele origin: germline.
Comment: In summary, the available evidence is currently insufficient to determine the role of this variant in disease. Therefore, it has been classified as a Variant of Uncertain Significance. Advanced modeling of protein sequence and biophysical properties (such as structural, functional, and spatial information, amino acid conservation, physicochemical variation, residue mobility, and thermodynamic stability) performed at Invitae indicates that this missense variant is not expected to disrupt XYLT1 protein function. ClinVar contains an entry for this variant (Variation ID: 1490349). This variant has not been reported in the literature in individuals affected with XYLT1-related conditions. This variant is not present in population databases (gnomAD no frequency). This sequence change replaces threonine, which is neutral and polar, with asparagine, which is neutral and polar, at codon 507 of the XYLT1 protein (p.Thr507Asn).

NM_022166.4(XYLT1):c.1520C>A (p.Thr507Asn)

Gene: XYLT1 (xylosyltransferase 1; minus strand). Cytogenetic location: 16p12.3.
Variant type: single nucleotide variant.
Coding change: c.1520C>A on transcript NM_022166.4 (MANE Select); coding-DNA position 1520, C replaced by A.
Protein change: p.Thr507Asn; replaces threonine 507 with asparagine.
Molecular consequence: missense variant.
Genome position (GRCh38, 1-based): chr16:17,141,220, G>T on the plus strand (C>A on the coding strand, the complement: XYLT1 is on the minus strand). VCF-style: chr16-17141220-G-T. GRCh37 (hg19) VCF-style: chr16-17235077-G-T.
Other names: short protein forms T507N.
Identifiers: ClinVar variation 1490349 (VCV001490349.8), dbSNP rs1290402731, ClinGen allele CA394876752.